The following is an entry in ClinVar:

NM_006059.4(LAMC3):c.3016_3031dup (p.Gln1011fs)

Gene: LAMC3 (laminin subunit gamma 3; plus strand). Cytogenetic location: 9q34.12.
Variant type: Duplication.
Coding change: c.3016_3031dup on transcript NM_006059.4 (MANE Select); coding-DNA positions 3016 to 3031, 16 bases duplicated (GACGGCACACACTGCC).
Protein change: p.Gln1011fs; shifts the reading frame from glutamine 1011.
Molecular consequence: frameshift variant.
Genome position (GRCh38, 1-based): chr9:131,069,797-131,069,812, GACGGCACACACTGCC duplicated. VCF-style (leftmost placement, unchanged base first): chr9-131069796-A-AGACGGCACACACTGCC. GRCh37 (hg19) VCF-style: chr9-133945183-A-AGACGGCACACACTGCC.
Other names: short protein forms Q1011fs.
Identifiers: ClinVar variation 2778373 (VCV002778373.3), dbSNP rs2538304207, ClinGen allele CA2692167098.

ClinVar aggregate classification (germline): Pathogenic (1 of 4 stars; one submission).

Allele frequency attached by ClinVar (database versions not stated): gnomAD exomes 0.00001.

Submission:

Labcorp Genetics (formerly Invitae), Labcorp
Classification: Pathogenic. Last evaluated: 2024-07-15. Review status: criteria provided, single submitter. Criteria: Invitae Variant Classification Sherloc (09022015). Collection method: clinical testing. Allele origin: germline.
Comment: This sequence change creates a premature translational stop signal (p.Gln1011Argfs*226) in the LAMC3 gene. It is expected to result in an absent or disrupted protein product. Loss-of-function variants in LAMC3 are known to be pathogenic (PMID: 21572413, 26802095). This variant is not present in population databases (gnomAD no frequency). This variant has not been reported in the literature in individuals affected with LAMC3-related conditions. For these reasons, this variant has been classified as Pathogenic.

Literature cited by the submitters: PubMed 21572413; PubMed 26802095.